The following is an entry in ClinVar:

NM_002617.4(PEX10):c.22C>T (p.Pro8Ser)

Gene: PEX10 (peroxisomal biogenesis factor 10; minus strand). Cytogenetic location: 1p36.32.
Variant type: single nucleotide variant.
Coding change: c.22C>T on transcript NM_002617.4 (MANE Select); coding-DNA position 22, C replaced by T.
Protein change: p.Pro8Ser; replaces proline 8 with serine.
Molecular consequence: missense variant. On other transcripts: intron variant (2).
Genome position (GRCh38, 1-based): chr1:2,412,481, G>A on the plus strand (C>T on the coding strand, the complement: PEX10 is on the minus strand). VCF-style: chr1-2412481-G-A. GRCh37 (hg19) VCF-style: chr1-2343920-G-A.
Other names: c.22C>T, p.Pro8Ser (NM_001374425.1, NM_153818.2); c.-321+1116C>T (NM_001374427.1, NM_001374426.1); short protein forms P8S.
Identifiers: ClinVar variation 2081368 (VCV002081368.1), dbSNP rs781306925, ClinGen allele CA538317.

ClinVar aggregate classification (germline): Uncertain significance (1 of 4 stars; one submission).

Conditions:
Peroxisome biogenesis disorder, complementation group 7 (CG7). Also called: Peroxisome biogenesis disorder, complementation group B. Identifiers: MedGen C1864399.

Allele frequency attached by ClinVar (database versions not stated): ExAC 0.00020.
gnomAD v4.1: 20 of 1,384,160 alleles (0.0014%); highest among the groups gnomAD compares: African/African-American, 0.0045%; no homozygotes.

Submission:

Labcorp Genetics (formerly Invitae), Labcorp
Classification: Uncertain significance for Peroxisome biogenesis disorder, complementation group 7. Last evaluated: 2021-08-27. Review status: criteria provided, single submitter. Criteria: Invitae Variant Classification Sherloc (09022015). Collection method: clinical testing. Allele origin: germline.
Comment: This sequence change replaces proline with serine at codon 8 of the PEX10 protein (p.Pro8Ser). The proline residue is moderately conserved and there is a moderate physicochemical difference between proline and serine. While this variant is present in population databases (rs781306925), the frequency information is unreliable, as metrics indicate poor data quality at this position in the ExAC database. This variant has not been reported in the literature in individuals affected with PEX10-related conditions. Algorithms developed to predict the effect of missense changes on protein structure and function (SIFT, PolyPhen-2, Align-GVGD) all suggest that this variant is likely to be tolerated. In summary, the available evidence is currently insufficient to determine the role of this variant in disease. Therefore, it has been classified as a Variant of Uncertain Significance.